The following is an entry in ClinVar:

ClinVar aggregate classification (germline): Conflicting classifications of pathogenicity. Review status: criteria provided, conflicting classifications (1 of 4 stars). 3 submissions from 3 submitters: Likely pathogenic (2); Uncertain significance (1). Last evaluated 2024-04-15.

Conditions:
Early-infantile DEE. Also called: Early infantile epileptic encephalopathy with suppression bursts; Ohtahara syndrome; Early infantile epileptic encephalopathy. Identifiers: Orphanet 1934, MedGen C0393706, MONDO:0800491.
KCNQ2-Related Disorders. Also called: KCNQ2-related disorder; KCNQ2-related condition. Identifiers: MedGen CN169299.

Submissions (3):

Labcorp Genetics (formerly Invitae), Labcorp
Classification: Uncertain significance for Early-infantile DEE. Last evaluated: 2024-04-15. Review status: criteria provided, single submitter. Criteria: Invitae Variant Classification Sherloc (09022015). Collection method: clinical testing. Allele origin: germline.
Comment: This sequence change replaces leucine, which is neutral and non-polar, with proline, which is neutral and non-polar, at codon 85 of the KCNQ2 protein (p.Leu85Pro). This variant is not present in population databases (gnomAD no frequency). This missense change has been observed in individual(s) with KCNQ2-related conditions (PMID: 35571021). ClinVar contains an entry for this variant (Variation ID: 962209). Advanced modeling of protein sequence and biophysical properties (such as structural, functional, and spatial information, amino acid conservation, physicochemical variation, residue mobility, and thermodynamic stability) performed at Invitae indicates that this missense variant is expected to disrupt KCNQ2 protein function with a positive predictive value of 95%. In summary, the available evidence is currently insufficient to determine the role of this variant in disease. Therefore, it has been classified as a Variant of Uncertain Significance.

Illumina Laboratory Services, Illumina
Classification: Likely pathogenic for KCNQ2-Related Disorders. Last evaluated: 2023-11-08. Review status: criteria provided, single submitter. Criteria: ICSLVariantClassificationCriteria RUGD 01 April 2020. Collection method: clinical testing. Allele origin: unknown.
Comment: This variant is not observed in version 2.1.1 or version 3.1.2 of the Genome Aggregation Database. Multiple lines of computational evidence suggest the p.(Leu85Pro) variant may impact the gene or gene product. Functional studies in a continuous cell line demonstrated that this variant impacts protein function (PMID: 17053194). Based on the available evidence, the c.254T>C, p.(Leu85Pro) variant is classified as likely pathogenic for KCNQ2-related disorders.

Blueprint Genetics
Classification: Likely pathogenic for KCNQ2-related disorders. Last evaluated: 2022-02-18. Review status: criteria provided, single submitter. Criteria: ACMG Guidelines, 2015. Collection method: clinical testing. Allele origin: germline. Affected: yes. Observed: 3 variant alleles.

Literature cited by the submitters: PubMed 35571021 (cited by Labcorp Genetics (formerly Invitae), Labcorp); PubMed 17053194 (cited by Illumina Laboratory Services, Illumina).

NM_172107.4(KCNQ2):c.254T>C (p.Leu85Pro)

Gene: KCNQ2 (potassium voltage-gated channel subfamily Q member 2; minus strand). Cytogenetic location: 20q13.33.
Variant type: single nucleotide variant.
Coding change: c.254T>C on transcript NM_172107.4 (MANE Select); coding-DNA position 254, T replaced by C.
Protein change: p.Leu85Pro; replaces leucine 85 with proline.
Molecular consequence: missense variant.
Genome position (GRCh38, 1-based): chr20:63,472,210, A>G on the plus strand (T>C on the coding strand, the complement: KCNQ2 is on the minus strand). VCF-style: chr20-63472210-A-G. GRCh37 (hg19) VCF-style: chr20-62103563-A-G.
Other names: c.254T>C, p.Leu85Pro (NM_001382235.1, NM_004518.6, NM_172106.3 and 2 more transcripts); short protein forms L85P.
Identifiers: ClinVar variation 962209 (VCV000962209.12), dbSNP rs2082233689, ClinGen allele CA409635062.
Genomic context (GRCh38, chr20:63,472,210, plus strand): 5'-GCCCCGCCGGCCACTCACACGTAGGCGTGGTAGATGAACGCCCAGCCGCGCGGCCGCTCC[A>G]GCACGTTGTAGAGGAAATTCTGCAGCTTGCGGTAGAAGGCGTTGCGCTTGGGGGGCTTCC-3'
Protein context (NP_742105.1, residues 75-95): RKLQNFLYNV[Leu85Pro]ERPRGWAFIY